The following is an entry in ClinVar:

NM_005609.4(PYGM):c.2249T>G (p.Phe750Cys)

Gene: PYGM (glycogen phosphorylase, muscle associated; minus strand). Cytogenetic location: 11q13.1.
Variant type: single nucleotide variant.
Coding change: c.2249T>G on transcript NM_005609.4 (MANE Select); coding-DNA position 2249, T replaced by G.
Protein change: p.Phe750Cys; replaces phenylalanine 750 with cysteine.
Molecular consequence: missense variant.
Genome position (GRCh38, 1-based): chr11:64,747,287, A>C on the plus strand (T>G on the coding strand, the complement: PYGM is on the minus strand). VCF-style: chr11-64747287-A-C. GRCh37 (hg19) VCF-style: chr11-64514759-A-C.
Other names: c.1985T>G, p.Phe662Cys (NM_001164716.1); short protein forms F750C, F662C.
Identifiers: ClinVar variation 1949787 (VCV001949787.2), dbSNP rs1232022501, ClinGen allele CA381165377.
Genomic context (GRCh38, chr11:64,747,287, plus strand): 5'-TCATGGTGCATGAGCATATTGACAATGTCCTTGAACAGGTCGGGCTGTTTGGGGGAGAAG[A>C]AGCCACTGCTCAGCTGCTCAATGACCTGCCGAAGCTCAGGAATGCGATCGTAGTACTCCT-3'
Protein context (NP_005600.1, residues 740-760): RQVIEQLSSG[Phe750Cys]FSPKQPDLFK

ClinVar aggregate classification (germline): Uncertain significance (1 of 4 stars; one submission).

Conditions:
Glycogen storage disease, type V (GSD5). Also called: MCARDLE DISEASE; MUSCLE GLYCOGEN PHOSPHORYLASE DEFICIENCY; MYOPHOSPHORYLASE DEFICIENCY; PYGM DEFICIENCY; McArdle type glycogen storage disease. Identifiers: Orphanet 368, MedGen C0017924, MONDO:0009293, OMIM 232600.

Submission:

Labcorp Genetics (formerly Invitae), Labcorp
Classification: Uncertain significance for Glycogen storage disease, type V. Last evaluated: 2022-03-11. Review status: criteria provided, single submitter. Criteria: Invitae Variant Classification Sherloc (09022015). Collection method: clinical testing. Allele origin: germline.
Comment: This sequence change replaces phenylalanine, which is neutral and non-polar, with cysteine, which is neutral and slightly polar, at codon 750 of the PYGM protein (p.Phe750Cys). This variant is present in population databases (no rsID available, gnomAD 0.0009%). This variant has not been reported in the literature in individuals affected with PYGM-related conditions. Algorithms developed to predict the effect of missense changes on protein structure and function are either unavailable or do not agree on the potential impact of this missense change (SIFT: "Not Available"; PolyPhen-2: "Possibly Damaging"; Align-GVGD: "Not Available"). In summary, the available evidence is currently insufficient to determine the role of this variant in disease. Therefore, it has been classified as a Variant of Uncertain Significance.